The following is an entry in ClinVar:

ClinVar aggregate classification (germline): Conflicting classifications of pathogenicity. Review status: criteria provided, conflicting classifications (1 of 4 stars). 2 submissions from 2 submitters: Uncertain significance (1); Likely benign (1). Last evaluated 2025-07-18.

Conditions:
Charcot-Marie-Tooth disease type 2. Also called: Charcot-Marie-Tooth type 2. Identifiers: Orphanet 64746, MedGen C0270914, MONDO:0018993.

Allele frequency attached by ClinVar (database versions not stated): gnomAD 0.00001; ExAC 0.00002; TOPMed 0.00001; gnomAD exomes 0.00001 and 0.00003.
gnomAD v4.1: 18 of 1,613,252 alleles (0.0011%); highest among the groups gnomAD compares: Admixed American, 0.015%; no homozygotes.

Submissions (2):

Labcorp Genetics (formerly Invitae), Labcorp
Classification: Uncertain significance for Charcot-Marie-Tooth disease type 2. Last evaluated: 2025-07-18. Review status: criteria provided, single submitter. Criteria: Invitae Variant Classification Sherloc (09022015). Collection method: clinical testing. Allele origin: germline.
Comment: This sequence change replaces arginine, which is basic and polar, with cysteine, which is neutral and slightly polar, at codon 573 of the KIF1B protein (p.Arg573Cys). This variant is present in population databases (rs752648536, gnomAD 0.02%). This variant has not been reported in the literature in individuals affected with KIF1B-related conditions. ClinVar contains an entry for this variant (Variation ID: 216685). Invitae Evidence Modeling of protein sequence and biophysical properties (such as structural, functional, and spatial information, amino acid conservation, physicochemical variation, residue mobility, and thermodynamic stability) has been performed for this missense variant. However, the output from this modeling did not meet the statistical confidence thresholds required to predict the impact of this variant on KIF1B protein function. In summary, the available evidence is currently insufficient to determine the role of this variant in disease. Therefore, it has been classified as a Variant of Uncertain Significance.

Ambry Genetics
Classification: Likely benign. Last evaluated: 2024-06-10. Review status: criteria provided, single submitter. Criteria: Ambry Variant Classification Scheme 2023. Collection method: clinical testing. Allele origin: germline.

NM_001365951.3(KIF1B):c.1855C>T (p.Arg619Cys)

Gene: KIF1B (kinesin family member 1B; plus strand). Cytogenetic location: 1p36.22.
Variant type: single nucleotide variant.
Coding change: c.1855C>T on transcript NM_001365951.3 (MANE Select); coding-DNA position 1855, C replaced by T.
Protein change: p.Arg619Cys; replaces arginine 619 with cysteine.
Molecular consequence: missense variant.
Genome position (GRCh38, 1-based): chr1:10,296,659, C>T. VCF-style: chr1-10296659-C-T. GRCh37 (hg19) VCF-style: chr1-10356717-C-T.
Other names: c.1855C>T, p.Arg619Cys (NM_001365952.1); c.1717C>T, p.Arg573Cys (NM_001365953.1, NM_015074.3, NM_183416.4); short protein forms R573C, R619C.
Identifiers: ClinVar variation 216685 (VCV000216685.15), dbSNP rs752648536, ClinGen allele CA336237.